The following is an entry in ClinVar:

NM_001244008.2(KIF1A):c.1943A>G (p.Glu648Gly)

Gene: KIF1A (kinesin family member 1A; minus strand). Cytogenetic location: 2q37.3.
Variant type: single nucleotide variant.
Coding change: c.1943A>G on transcript NM_001244008.2 (MANE Select); coding-DNA position 1943, A replaced by G.
Protein change: p.Glu648Gly; replaces glutamic acid 648 with glycine.
Molecular consequence: missense variant.
Genome position (GRCh38, 1-based): chr2:240,763,172, T>C on the plus strand (A>G on the coding strand, the complement: KIF1A is on the minus strand). VCF-style: chr2-240763172-T-C. GRCh37 (hg19) VCF-style: chr2-241702589-T-C.
Other names: c.1943A>G, p.Glu648Gly (NM_001320705.2, NM_001330289.2, NM_001379638.1); c.2018A>G, p.Glu673Gly (NM_001330290.2, NM_001379631.1, NM_001379634.1 and 2 more transcripts); c.1916A>G, p.Glu639Gly (NM_001379632.1, NM_001379633.1, NM_001379636.1 and 10 more transcripts); c.1991A>G, p.Glu664Gly (NM_001379637.1, NM_001379648.1); c.1916A>G (NM_004321.6); short protein forms E673G, E648G, E664G, E639G.
Identifiers: ClinVar variation 1036248 (VCV001036248.10), dbSNP rs749169628, ClinGen allele CA2208256.
Genomic context (GRCh38, chr2:240,763,172, plus strand): 5'-GAGCACGGGAGGGCAGGAGGGGCAGCAGGCAGTTGGGGGTGGCCTCCGCCTCACCTCTGC[T>C]CCATCTCCTGCTTCATGTCGATGCCCTGCTTCTCCAGCAGCTCACGCTGGGCGAAGGCCC-3'
Protein context (NP_001230937.1, residues 638-658): KQGIDMKQEM[Glu648Gly]QRLQELEDQY

ClinVar aggregate classification (germline): Uncertain significance. Review status: criteria provided, multiple submitters, no conflicts (2 of 4 stars). 2 submissions from 2 submitters: Uncertain significance (2). Last evaluated 2023-10-23.

Conditions:
Neuropathy, hereditary sensory, type 2C. Also called: Hereditary sensory and autonomic neuropathy type IIC; KIF1A-Related HSAN2 (HSAN2C). Identifiers: Orphanet 970, MedGen C3280168, MONDO:0013634, OMIM 614213.
Intellectual disability, autosomal dominant 9 (NESCAVS). Also called: KIF1A-Related Neurodevelopmental Disorder; NESCAV SYNDROME. Identifiers: Orphanet 662367, MedGen C5393830, MONDO:0013656, OMIM 614255.
Hereditary spastic paraplegia 30. Identifiers: Orphanet 101010, MedGen C5235139, MONDO:0012476.

Allele frequency attached by ClinVar (database versions not stated): gnomAD exomes below 0.00001; TOPMed below 0.00001; ExAC 0.00001; gnomAD 0.00001.
gnomAD v4.1: 3 of 1,610,682 alleles (0.00019%); highest among the groups gnomAD compares: African/African-American, 0.0027%; no homozygotes.

Submissions (2):

GeneDx
Classification: Uncertain significance. Last evaluated: 2023-10-23. Review status: criteria provided, single submitter. Criteria: GeneDx Variant Classification Process June 2021. Collection method: clinical testing. Allele origin: germline. Affected: yes.
Comment: In silico analysis supports that this missense variant has a deleterious effect on protein structure/function; Has not been previously published as pathogenic or benign to our knowledge

Labcorp Genetics (formerly Invitae), Labcorp
Classification: Uncertain significance for Hereditary spastic paraplegia 30; Neuropathy, hereditary sensory, type 2C; Intellectual disability, autosomal dominant 9. Last evaluated: 2020-02-14. Review status: criteria provided, single submitter. Criteria: Invitae Variant Classification Sherloc (09022015). Collection method: clinical testing. Allele origin: germline.
Comment: In summary, the available evidence is currently insufficient to determine the role of this variant in disease. Therefore, it has been classified as a Variant of Uncertain Significance. Algorithms developed to predict the effect of missense changes on protein structure and function are either unavailable or do not agree on the potential impact of this missense change (SIFT: "Deleterious"; PolyPhen-2: "Possibly Damaging"; Align-GVGD: "Class C0"). This variant has not been reported in the literature in individuals with KIF1A-related conditions. The frequency data for this variant in the population databases is considered unreliable, as metrics indicate poor data quality at this position in the ExAC database. This sequence change replaces glutamic acid with glycine at codon 639 of the KIF1A protein (p.Glu639Gly). The glutamic acid residue is highly conserved and there is a moderate physicochemical difference between glutamic acid and glycine.